The following is an entry in ClinVar:

NM_001039213.4(CEACAM16):c.828C>G (p.Asp276Glu)

Genes: CEACAM16 (CEA cell adhesion molecule 16, tectorial membrane component; plus strand), CEACAM16-AS1 (CEACAM16, CEACAM19 and PVR antisense RNA 1; minus strand). Cytogenetic location: 19q13.32.
Variant type: single nucleotide variant.
Coding change: c.828C>G on transcript NM_001039213.4 (MANE Select); coding-DNA position 828, C replaced by G.
Protein change: p.Asp276Glu; replaces aspartic acid 276 with glutamic acid.
Molecular consequence: missense variant.
Genome position (GRCh38, 1-based): chr19:44,705,756, C>G. VCF-style: chr19-44705756-C-G. GRCh37 (hg19) VCF-style: chr19-45209026-C-G.
Other names: p.Asp276Glu; c.828C>G (NM_001039213.2); short protein forms D276E.
Identifiers: ClinVar variation 2683505 (VCV002683505.4), dbSNP rs554754239, ClinGen allele CA308871299.

ClinVar aggregate classification (germline): Uncertain significance. Review status: criteria provided, multiple submitters, no conflicts (2 of 4 stars). 3 submissions from 3 submitters: Uncertain significance (3). Last evaluated 2025-05-03.

Conditions:
Inborn genetic diseases. Identifiers: MedGen C0950123, MeSH D030342.

gnomAD v4.1: 9 of 1,613,904 alleles (0.00056%); highest among the groups gnomAD compares: African/African-American, 0.008%; no homozygotes.

Submissions (3):

Ambry Genetics
Classification: Uncertain significance for Inborn genetic diseases. Last evaluated: 2025-05-03. Review status: criteria provided, single submitter. Criteria: Ambry Variant Classification Scheme 2023. Collection method: clinical testing. Allele origin: germline.

Labcorp Genetics (formerly Invitae), Labcorp
Classification: Uncertain significance. Last evaluated: 2024-12-02. Review status: criteria provided, single submitter. Criteria: Invitae Variant Classification Sherloc (09022015). Collection method: clinical testing. Allele origin: germline.
Comment: This sequence change replaces aspartic acid, which is acidic and polar, with glutamic acid, which is acidic and polar, at codon 276 of the CEACAM16 protein (p.Asp276Glu). This variant is present in population databases (no rsID available, gnomAD 0.007%). This variant has not been reported in the literature in individuals affected with CEACAM16-related conditions. ClinVar contains an entry for this variant (Variation ID: 2683505). Invitae Evidence Modeling of protein sequence and biophysical properties (such as structural, functional, and spatial information, amino acid conservation, physicochemical variation, residue mobility, and thermodynamic stability) indicates that this missense variant is not expected to disrupt CEACAM16 protein function with a negative predictive value of 80%. In summary, the available evidence is currently insufficient to determine the role of this variant in disease. Therefore, it has been classified as a Variant of Uncertain Significance.

Mayo Clinic Laboratories, Mayo Clinic
Classification: Uncertain significance. Last evaluated: 2023-02-02. Review status: criteria provided, single submitter. Criteria: ACMG Guidelines, 2015. Collection method: clinical testing. Allele origin: germline. Observed: 1 variant allele.
Comment: BP4, PM2